The following is an entry in ClinVar:

ClinVar aggregate classification (germline): Likely benign (0 of 4 stars; one submission).

Conditions:
MYBPC1-related disorder. Also called: MYBPC1-related condition.

Allele frequency attached by ClinVar (database versions not stated): gnomAD 0.00002; gnomAD exomes 0.00004; TOPMed 0.00006; ExAC 0.00007.
gnomAD v4.1: 30 of 1,608,306 alleles (0.0019%); highest among the groups gnomAD compares: Admixed American, 0.048%; no homozygotes.

Submission:

PreventionGenetics, part of Exact Sciences
Classification: Likely benign for MYBPC1-related condition. Last evaluated: 2019-02-19. Review status: no assertion criteria provided. Collection method: clinical testing. Allele origin: germline.
Comment: This variant is classified as likely benign based on ACMG/AMP sequence variant interpretation guidelines (Richards et al. 2015 PMID: 25741868, with internal and published modifications).

NM_002465.4(MYBPC1):c.608+6T>C

Gene: MYBPC1 (myosin binding protein C1; plus strand). Cytogenetic location: 12q23.2.
Variant type: single nucleotide variant.
Coding change: c.608+6T>C on transcript NM_002465.4 (MANE Select); 6 bases into the intron after coding-DNA position 608, T replaced by C.
Molecular consequence: intron variant.
Genome position (GRCh38, 1-based): chr12:101,634,611, T>C. VCF-style: chr12-101634611-T-C. GRCh37 (hg19) VCF-style: chr12-102028389-T-C.
Other names: c.608+6T>C (NM_206819.4, NM_001404675.1); c.533+6T>C (NM_001254718.3, NM_206820.4, NM_001254719.3 and 4 more transcripts); c.497+6T>C (NM_001254720.3); c.494+6T>C (NM_001254723.3); c.455+6T>C (NM_001254722.3, NM_001404680.1, NM_001404679.1 and 2 more transcripts).
Identifiers: ClinVar variation 3048611 (VCV003048611.2), dbSNP rs753703767, ClinGen allele CA6744567.
Genomic context (GRCh38, chr12:101,634,611, plus strand): 5'-AAGAATCTACTGGGACTACTCCAAACATTGACATCAGATCTGCTTTCAAGAGAAGGTAAC[T>C]CCAAAAGAAAAATCTAGATAGCTTTTGTATAACACAGAAGTGGAGGATTTTCAAACACAT-3'